The following is an entry in ClinVar:

NM_001939.3(DRP2):c.38T>C (p.Leu13Pro)

Gene: DRP2 (dystrophin related protein 2; plus strand). Cytogenetic location: Xq22.1.
Variant type: single nucleotide variant.
Coding change: c.38T>C on transcript NM_001939.3 (MANE Select); coding-DNA position 38, T replaced by C.
Protein change: p.Leu13Pro; replaces leucine 13 with proline.
Molecular consequence: missense variant. On other transcripts: intron variant (1).
Genome position (GRCh38, 1-based): chrX:101,231,685, T>C. VCF-style: chrX-101231685-T-C. GRCh37 (hg19) VCF-style: chrX-100486674-T-C.
Other names: c.-117-4175T>C (NM_001171184.2); short protein forms L13P.
Identifiers: ClinVar variation 1367007 (VCV001367007.8), dbSNP rs2147332581, ClinGen allele CA413908663.

ClinVar aggregate classification (germline): Uncertain significance (1 of 4 stars; one submission).

Submission:

Labcorp Genetics (formerly Invitae), Labcorp
Classification: Uncertain significance. Last evaluated: 2024-04-15. Review status: criteria provided, single submitter. Criteria: Invitae Variant Classification Sherloc (09022015). Collection method: clinical testing. Allele origin: germline.
Comment: This sequence change replaces leucine, which is neutral and non-polar, with proline, which is neutral and non-polar, at codon 13 of the DRP2 protein (p.Leu13Pro). This variant is not present in population databases (gnomAD no frequency). This variant has not been reported in the literature in individuals affected with DRP2-related conditions. ClinVar contains an entry for this variant (Variation ID: 1367007). Advanced modeling of protein sequence and biophysical properties (such as structural, functional, and spatial information, amino acid conservation, physicochemical variation, residue mobility, and thermodynamic stability) performed at Invitae indicates that this missense variant is expected to disrupt DRP2 protein function with a positive predictive value of 80%. In summary, the available evidence is currently insufficient to determine the role of this variant in disease. Therefore, it has been classified as a Variant of Uncertain Significance.